The following is an entry in ClinVar:

ClinVar aggregate classification (germline): Uncertain significance (0 of 4 stars; one submission).

Conditions:
NSMF-related disorder. Also called: NSMF-related condition.

gnomAD v4.1: 7 of 1,550,566 alleles (0.00045%); highest among the groups gnomAD compares: South Asian, 0.0035%; no homozygotes.

Submission:

PreventionGenetics, part of Exact Sciences
Classification: Uncertain significance for NSMF-related condition. Last evaluated: 2024-09-13. Review status: no assertion criteria provided. Collection method: clinical testing. Allele origin: germline.
Comment: The NSMF c.418C>T variant is predicted to result in the amino acid substitution p.Arg140Cys. To our knowledge, this variant has not been reported in the literature. This variant is reported in 0.0090% of alleles in individuals of East Asian descent in gnomAD. At this time, the clinical significance of this variant is uncertain due to the absence of conclusive functional and genetic evidence.

NM_001130969.3(NSMF):c.418C>T (p.Arg140Cys)

Gene: NSMF (NMDA receptor synaptonuclear signaling and neuronal migration factor; minus strand). Cytogenetic location: 9q34.3.
Variant type: single nucleotide variant.
Coding change: c.418C>T on transcript NM_001130969.3 (MANE Select); coding-DNA position 418, C replaced by T.
Protein change: p.Arg140Cys; replaces arginine 140 with cysteine.
Molecular consequence: missense variant.
Genome position (GRCh38, 1-based): chr9:137,457,617, G>A on the plus strand (C>T on the coding strand, the complement: NSMF is on the minus strand). VCF-style: chr9-137457617-G-A. GRCh37 (hg19) VCF-style: chr9-140352069-G-A.
Other names: c.418C>T, p.Arg140Cys (NM_001130970.2, NM_001130971.2, NM_001178064.2 and 1 more transcripts); short protein forms R140C.
Identifiers: ClinVar variation 3356566 (VCV003356566.1).